The following is an entry in ClinVar:

NM_018993.4(RIN2):c.688C>G (p.Leu230Val)

Gene: RIN2 (Ras and Rab interactor 2; plus strand). Cytogenetic location: 20p11.23.
Variant type: single nucleotide variant.
Coding change: c.688C>G on transcript NM_018993.4 (MANE Select); coding-DNA position 688, C replaced by G.
Protein change: p.Leu230Val; replaces leucine 230 with valine.
Molecular consequence: missense variant.
Genome position (GRCh38, 1-based): chr20:19,974,713, C>G. VCF-style: chr20-19974713-C-G. GRCh37 (hg19) VCF-style: chr20-19955357-C-G.
Other names: c.835C>G, p.Leu279Val (NM_001242581.2); c.70C>G, p.Leu24Val (NM_001378238.1); short protein forms L24V, L279V, L230V.
Identifiers: ClinVar variation 1425238 (VCV001425238.3), dbSNP rs1232035776, ClinGen allele CA408360770.

ClinVar aggregate classification (germline): Uncertain significance (1 of 4 stars; one submission).

Allele frequency attached by ClinVar (database versions not stated): gnomAD exomes below 0.00001.
gnomAD v4.1: 4 of 1,614,048 alleles (0.00025%); highest among the groups gnomAD compares: Non-Finnish European, 0.00017%; no homozygotes.

Submission:

Labcorp Genetics (formerly Invitae), Labcorp
Classification: Uncertain significance. Last evaluated: 2022-07-21. Review status: criteria provided, single submitter. Criteria: Invitae Variant Classification Sherloc (09022015). Collection method: clinical testing. Allele origin: germline.
Comment: This sequence change replaces leucine, which is neutral and non-polar, with valine, which is neutral and non-polar, at codon 230 of the RIN2 protein (p.Leu230Val). This variant is present in population databases (no rsID available, gnomAD 0.0009%). This variant has not been reported in the literature in individuals affected with RIN2-related conditions. ClinVar contains an entry for this variant (Variation ID: 1425238). Algorithms developed to predict the effect of missense changes on protein structure and function are either unavailable or do not agree on the potential impact of this missense change (SIFT: "Tolerated"; PolyPhen-2: "Not Available"; Align-GVGD: "Class C0"). In summary, the available evidence is currently insufficient to determine the role of this variant in disease. Therefore, it has been classified as a Variant of Uncertain Significance.